The following is an entry in ClinVar:

NM_001042545.2(LTBP4):c.3322C>T (p.Pro1108Ser)

Gene: LTBP4 (latent transforming growth factor beta binding protein 4; plus strand). Cytogenetic location: 19q13.2.
Variant type: single nucleotide variant.
Coding change: c.3322C>T on transcript NM_001042545.2 (MANE Select); coding-DNA position 3322, C replaced by T.
Protein change: p.Pro1108Ser; replaces proline 1108 with serine.
Molecular consequence: missense variant.
Genome position (GRCh38, 1-based): chr19:40,622,505, C>T. VCF-style: chr19-40622505-C-T. GRCh37 (hg19) VCF-style: chr19-41128410-C-T.
Other names: c.3523C>T, p.Pro1175Ser (NM_001042544.1); c.3412C>T, p.Pro1138Ser (NM_003573.2); short protein forms P1138S, P1175S, P1108S.
Identifiers: ClinVar variation 2957967 (VCV002957967.2), dbSNP rs770843582, ClinGen allele CA9448977.

ClinVar aggregate classification (germline): Uncertain significance (1 of 4 stars; one submission).

Allele frequency attached by ClinVar (database versions not stated): gnomAD 0.00001; gnomAD exomes 0.00001; TOPMed 0.00001; ExAC 0.00003.
gnomAD v4.1: 13 of 1,613,376 alleles (0.00081%); highest among the groups gnomAD compares: Non-Finnish European, 0.0011%; no homozygotes.

Submission:

Labcorp Genetics (formerly Invitae), Labcorp
Classification: Uncertain significance. Last evaluated: 2024-08-12. Review status: criteria provided, single submitter. Criteria: Invitae Variant Classification Sherloc (09022015). Collection method: clinical testing. Allele origin: germline.
Comment: This sequence change replaces proline, which is neutral and non-polar, with serine, which is neutral and polar, at codon 1138 of the LTBP4 protein (p.Pro1138Ser). This variant is present in population databases (rs770843582, gnomAD 0.003%). This variant has not been reported in the literature in individuals affected with LTBP4-related conditions. An algorithm developed to predict the effect of missense changes on protein structure and function outputs the following: PolyPhen-2: "Not Available". The serine amino acid residue is found in multiple mammalian species, which suggests that this missense change does not adversely affect protein function. In summary, the available evidence is currently insufficient to determine the role of this variant in disease. Therefore, it has been classified as a Variant of Uncertain Significance.